The following is an entry in ClinVar:

ClinVar aggregate classification (germline): Uncertain significance (1 of 4 stars; one submission).

Conditions:
ANKRD1-related dilated cardiomyopathy. Identifiers: MedGen CN119551.

Allele frequency attached by ClinVar (database versions not stated): gnomAD exomes below 0.00001; ExAC 0.00001; gnomAD 0.00001.
gnomAD v4.1: 4 of 1,596,970 alleles (0.00025%); highest among the groups gnomAD compares: Non-Finnish European, 0.00034%; no homozygotes.

Submission:

Labcorp Genetics (formerly Invitae), Labcorp
Classification: Uncertain significance for ANKRD1-related dilated cardiomyopathy. Last evaluated: 2025-12-13. Review status: criteria provided, single submitter. Criteria: Invitae Variant Classification Sherloc (09022015). Collection method: clinical testing. Allele origin: germline.
Comment: This sequence change falls in intron 4 of the ANKRD1 gene. It does not directly change the encoded amino acid sequence of the ANKRD1 protein. It affects a nucleotide within the consensus splice site. This variant is present in population databases (rs759737747, gnomAD 0.007%). This variant has not been reported in the literature in individuals affected with ANKRD1-related conditions. ClinVar contains an entry for this variant (Variation ID: 1414187). Variants that disrupt the consensus splice site are a relatively common cause of aberrant splicing (PMID: 17576681, 9536098). Algorithms developed to predict the effect of sequence changes on RNA splicing suggest that this variant is not likely to affect RNA splicing. In summary, the available evidence is currently insufficient to determine the role of this variant in disease. Therefore, it has been classified as a Variant of Uncertain Significance.

Literature cited by the submitters: PubMed 17576681; PubMed 9536098.

NM_014391.3(ANKRD1):c.453+6A>T

Gene: ANKRD1 (ankyrin repeat domain 1; minus strand). Cytogenetic location: 10q23.31.
Variant type: single nucleotide variant.
Coding change: c.453+6A>T on transcript NM_014391.3 (MANE Select); 6 bases into the intron after coding-DNA position 453, A replaced by T.
Molecular consequence: intron variant.
Genome position (GRCh38, 1-based): chr10:90,918,859, T>A on the plus strand (A>T on the coding strand, the complement: ANKRD1 is on the minus strand). VCF-style: chr10-90918859-T-A. GRCh37 (hg19) VCF-style: chr10-92678616-T-A.
Identifiers: ClinVar variation 1414187 (VCV001414187.6), dbSNP rs759737747, ClinGen allele CA5598737.